The following is an entry in ClinVar:

NM_001267550.2(TTN):c.75231T>A (p.Tyr25077Ter)

Genes: TTN (titin; minus strand), TTN-AS1 (TTN antisense RNA 1; plus strand). Cytogenetic location: 2q31.2.
Variant type: single nucleotide variant.
Coding change: c.75231T>A on transcript NM_001267550.2 (MANE Select); coding-DNA position 75231, T replaced by A.
Protein change: p.Tyr25077Ter; replaces tyrosine 25077 with a stop codon.
Molecular consequence: nonsense.
Genome position (GRCh38, 1-based): chr2:178,570,901, A>T on the plus strand (T>A on the coding strand, the complement: TTN is on the minus strand). VCF-style: chr2-178570901-A-T. GRCh37 (hg19) VCF-style: chr2-179435628-A-T.
Other names: c.70308T>A, p.Tyr23436Ter (NM_001256850.1); c.48036T>A, p.Tyr16012Ter (NM_003319.4); c.67527T>A, p.Tyr22509Ter (NM_133378.4); c.48411T>A, p.Tyr16137Ter (NM_133432.3); c.48612T>A, p.Tyr16204Ter (NM_133437.4); short protein forms Y16137*, Y25077*, Y16012*, Y23436*, Y16204*, Y22509*.
Identifiers: ClinVar variation 863696 (VCV000863696.11), dbSNP rs750699540, ClinGen allele CA349627765.

ClinVar aggregate classification (germline): Likely pathogenic. Review status: criteria provided, multiple submitters, no conflicts (2 of 4 stars). 2 submissions from 2 submitters: Likely pathogenic (2). Last evaluated 2025-12-16.

Conditions:
Dilated cardiomyopathy 1G (CMD1G). Identifiers: Orphanet 154, MedGen C1858763, MONDO:0011400, OMIM 604145.
Autosomal recessive limb-girdle muscular dystrophy type 2J (LGMDR10). Also called: Limb-girdle muscular dystrophy, type 2J; MUSCULAR DYSTROPHY, LIMB-GIRDLE, AUTOSOMAL RECESSIVE 10. Identifiers: Orphanet 140922, MedGen C1837342, MONDO:0012127, OMIM 608807.
Cardiovascular phenotype. Identifiers: MedGen CN230736.

Submissions (2):

Ambry Genetics
Classification: Likely pathogenic for Cardiovascular phenotype. Last evaluated: 2025-12-16. Review status: criteria provided, single submitter. Criteria: Ambry Variant Classification Scheme 2023. Collection method: clinical testing. Allele origin: germline.
Comment: The p.Y16012* variant (also known as c.48036T>A), located in coding exon 153 of the TTN gene, results from a T to A substitution at nucleotide position 48036. This changes the amino acid from a tyrosine to a stop codon within coding exon 153. This exon is located in the A-band region of the N2-B isoform of the titin protein and is constitutively expressed in TTN transcripts (percent spliced in or PSI 100%). This variant was reported in individual(s) with features consistent with peripartum cardiomyopathy (Ware JS et al. N Engl J Med, 2016 Jan;374:233-41). This variant is expected to result in loss of function by premature protein truncation or nonsense-mediated mRNA decay. While truncating variants in TTN are present in 1-3% of the general population, truncating variants in the A-band are the most common cause of dilated cardiomyopathy (Herman DS et al. N. Engl. J. Med., 2012 Feb;366:619-28; Roberts AM et al. Sci Transl Med, 2015 Jan;7:270ra6). TTN truncating variants encoded in constitutive exons (PSI >90%) have been found to be significantly associated with DCM regardless of their position in titin (Schafer S et al. Nat. Genet., 2017 01;49:46-53; Akhtar MM et al. Circ Heart Fail, 2020 Oct;13:e006832; Massier M et al. Clin Genet, 2025 Jan). This variant is considered to be rare based on population cohorts in the Genome Aggregation Database (gnomAD). Based on the majority of available evidence to date, this variant is likely to be pathogenic.

Labcorp Genetics (formerly Invitae), Labcorp
Classification: Likely pathogenic for Dilated cardiomyopathy 1G; Autosomal recessive limb-girdle muscular dystrophy type 2J. Last evaluated: 2021-04-12. Review status: criteria provided, single submitter. Criteria: Invitae Variant Classification Sherloc (09022015). Collection method: clinical testing. Allele origin: germline.
Comment: In summary, the currently available evidence indicates that the variant is pathogenic, but additional data are needed to prove that conclusively. Therefore, this variant has been classified as Likely Pathogenic. This variant is located in the A band of TTN (PMID: 25589632). Truncating variants in this region are significantly overrepresented in patients affected with dilated cardiomyopathy (PMID: 25589632). Truncating variants in this region have also been reported in individuals affected with autosomal recessive centronuclear myopathy (PMID: 23975875). This variant has been observed in individual(s) with peripartum cardiomyopathy (PMID: 26735901). This variant is not present in population databases (ExAC no frequency). This sequence change results in a premature translational stop signal in the TTN gene (p.Tyr25077*). While this is not anticipated to result in nonsense mediated decay, it is expected to create a truncated TTN protein.

Literature cited by the submitters: PubMed 26735901 (cited by Ambry Genetics and Labcorp Genetics (formerly Invitae), Labcorp); PubMed 25589632 (cited by Labcorp Genetics (formerly Invitae), Labcorp); PubMed 23975875 (cited by Labcorp Genetics (formerly Invitae), Labcorp).